The following is an entry in ClinVar:

NM_000059.4(BRCA2):c.741C>G (p.Ile247Met)

Gene: BRCA2 (BRCA2 DNA repair associated; plus strand). Cytogenetic location: 13q13.1.
Variant type: single nucleotide variant.
Coding change: c.741C>G on transcript NM_000059.4 (MANE Select); coding-DNA position 741, C replaced by G.
Protein change: p.Ile247Met; replaces isoleucine 247 with methionine.
Molecular consequence: missense variant.
Genome position (GRCh38, 1-based): chr13:32,330,978, C>G. VCF-style: chr13-32330978-C-G. GRCh37 (hg19) VCF-style: chr13-32905115-C-G.
Other names: short protein forms I247M.
Identifiers: ClinVar variation 827035 (VCV000827035.4), dbSNP rs276174892, ClinGen allele CA387760063.
Genomic context (GRCh38, chr13:32,330,978, plus strand): 5'-GAATGTGAAAAGCTATTTTTCCAATCATGATGAAAGTCTGAAGAAAAATGATAGATTTAT[C>G]GCTTCTGTGACAGACAGTGAAAACACAAATCAAAGAGAAGCTGCAAGTCATGGTAAGTCC-3'
Protein context (NP_000050.3, residues 237-257): DESLKKNDRF[Ile247Met]ASVTDSENTN

ClinVar aggregate classification (germline): Uncertain significance (1 of 4 stars; one submission).

Conditions:
Hereditary cancer-predisposing syndrome. Also called: Neoplastic Syndromes, Hereditary; Tumor predisposition; Hereditary neoplastic syndrome; Hereditary Cancer Syndrome. Identifiers: Orphanet 140162, MedGen C0027672, MeSH D009386, MONDO:0015356.

Submission:

Ambry Genetics
Classification: Uncertain significance for Hereditary cancer-predisposing syndrome. Last evaluated: 2018-12-18. Review status: criteria provided, single submitter. Criteria: Ambry Variant Classification Scheme 2023. Collection method: clinical testing. Allele origin: germline.
Comment: The p.I247M variant (also known as c.741C>G), located in coding exon 8 of the BRCA2 gene, results from a C to G substitution at nucleotide position 741. The isoleucine at codon 247 is replaced by methionine, an amino acid with highly similar properties. This amino acid position is not well conserved in available vertebrate species. In addition, this alteration is predicted to be tolerated by in silico analysis. Since supporting evidence is limited at this time, the clinical significance of this alteration remains unclear.